The following is an entry in ClinVar:

ClinVar aggregate classification (germline): Pathogenic. Review status: criteria provided, multiple submitters, no conflicts (2 of 4 stars). 3 submissions from 3 submitters: Pathogenic (3). Last evaluated 2025-04-23.

Conditions:
Familial adenomatous polyposis 4 (FAP4). Also called: MSH3-related attenuated familial adenomatous polyposis. Identifiers: Orphanet 480536, MedGen C4310719, MONDO:0044300, OMIM 617100.
Hereditary cancer-predisposing syndrome. Also called: Tumor predisposition; Hereditary neoplastic syndrome; Neoplastic Syndromes, Hereditary; Hereditary Cancer Syndrome. Identifiers: Orphanet 140162, MedGen C0027672, MeSH D009386, MONDO:0015356.

Submissions (3):

Ambry Genetics
Classification: Pathogenic for Hereditary cancer-predisposing syndrome. Last evaluated: 2025-04-23. Review status: criteria provided, single submitter. Criteria: Ambry Variant Classification Scheme 2023. Collection method: clinical testing. Allele origin: germline.
Comment: The c.1384delT pathogenic mutation, located in coding exon 9 of the MSH3 gene, results from a deletion of one nucleotide at nucleotide position 1384, causing a translational frameshift with a predicted alternate stop codon (p.Y462Ifs*34). This variant is considered to be rare based on population cohorts in the Genome Aggregation Database (gnomAD). This alteration is expected to result in loss of function by premature protein truncation or nonsense-mediated mRNA decay. As such, this alteration is interpreted as a disease-causing mutation.

Labcorp Genetics (formerly Invitae), Labcorp
Classification: Pathogenic. Last evaluated: 2024-04-30. Review status: criteria provided, single submitter. Criteria: Invitae Variant Classification Sherloc (09022015). Collection method: clinical testing. Allele origin: germline.
Comment: This sequence change creates a premature translational stop signal (p.Tyr462Ilefs*34) in the MSH3 gene. It is expected to result in an absent or disrupted protein product. Loss-of-function variants in MSH3 are known to be pathogenic (PMID: 27476653, 37402566). This variant is not present in population databases (gnomAD no frequency). This variant has not been reported in the literature in individuals affected with MSH3-related conditions. For these reasons, this variant has been classified as Pathogenic.

Myriad Genetics, Inc.
Classification: Pathogenic for Familial adenomatous polyposis 4. Last evaluated: 2023-08-29. Review status: criteria provided, single submitter. Criteria: Myriad Autosomal Dominant, Autosomal Recessive and X-Linked Classification Criteria (2023). Collection method: clinical testing. Allele origin: unknown.
Comment: This variant is considered pathogenic. This variant creates a frameshift predicted to result in premature protein truncation.

Literature cited by the submitters: PubMed 27476653 (cited by Labcorp Genetics (formerly Invitae), Labcorp); PubMed 37402566 (cited by Labcorp Genetics (formerly Invitae), Labcorp).

NM_002439.5(MSH3):c.1384del (p.Tyr462fs)

Gene: MSH3 (mutS homolog 3; plus strand). Cytogenetic location: 5q14.1.
Variant type: Deletion.
Coding change: c.1384del on transcript NM_002439.5 (MANE Select); coding-DNA position 1384, one base deleted (T; older notation c.1384delT).
Protein change: p.Tyr462fs; shifts the reading frame from tyrosine 462.
Molecular consequence: frameshift variant.
Genome position (GRCh38, 1-based): chr5:80,725,496, T deleted; the last of 3 consecutive T bases (chr5:80,725,494-80,725,496); deleting any one gives the same sequence. VCF-style (leftmost placement, unchanged base first): chr5-80725493-AT-A. GRCh37 (hg19) VCF-style: chr5-80021312-AT-A.
Other names: c.1384delT (NM_002439.3); short protein forms Y462fs.
Identifiers: ClinVar variation 2673516 (VCV002673516.5), dbSNP rs2546752993, ClinGen allele CA2695198659.